The following is an entry in ClinVar:

NM_001846.4(COL4A2):c.2587+5G>C

Gene: COL4A2 (collagen type IV alpha 2 chain; plus strand). Cytogenetic location: 13q34.
Variant type: single nucleotide variant.
Coding change: c.2587+5G>C on transcript NM_001846.4 (MANE Select); 5 bases into the intron after coding-DNA position 2587, G replaced by C.
Molecular consequence: intron variant.
Genome position (GRCh38, 1-based): chr13:110,478,169, G>C. VCF-style: chr13-110478169-G-C. GRCh37 (hg19) VCF-style: chr13-111130516-G-C.
Identifiers: ClinVar variation 1417595 (VCV001417595.6), dbSNP rs756405925, ClinGen allele CA7049946.
Genomic context (GRCh38, chr13:110,478,169, plus strand): 5'-AGGAGCTCCTGGCCAAGAGGGGCCCTTGGGGCTGCCAGGAATCCCAGGCCGTGAAGGTAA[G>C]ACCCCAGCCCTCCCATAAACGAGTGGGGTCCTCACTGGTCCTGCCAAGAGAATGAGCACT-3'

ClinVar aggregate classification (germline): Uncertain significance (1 of 4 stars; one submission).

Allele frequency attached by ClinVar (database versions not stated): ExAC 0.00003; gnomAD exomes 0.00005.
gnomAD v4.1: 17 of 1,581,692 alleles (0.0011%); highest among the groups gnomAD compares: South Asian, 0.016%; 1 homozygote.

Submission:

Labcorp Genetics (formerly Invitae), Labcorp
Classification: Uncertain significance. Last evaluated: 2021-11-13. Review status: criteria provided, single submitter. Criteria: Invitae Variant Classification Sherloc (09022015). Collection method: clinical testing. Allele origin: germline.
Comment: In summary, the available evidence is currently insufficient to determine the role of this variant in disease. Therefore, it has been classified as a Variant of Uncertain Significance. Variants that disrupt the consensus splice site are a relatively common cause of aberrant splicing (PMID: 17576681, 9536098). Experimental studies and prediction algorithms are not available or were not evaluated, and the effect of this variant on mRNA splicing is currently unknown. This variant has not been reported in the literature in individuals affected with COL4A2-related conditions. This variant is present in population databases (rs756405925, gnomAD 0.04%). This sequence change falls in intron 30 of the COL4A2 gene. It does not directly change the encoded amino acid sequence of the COL4A2 protein. It affects a nucleotide within the consensus splice site.

Literature cited by the submitters: PubMed 17576681; PubMed 9536098.